The following is an entry in ClinVar:

NM_016599.5(MYOZ2):c.407C>T (p.Pro136Leu)

Gene: MYOZ2 (myozenin 2; plus strand). Cytogenetic location: 4q26.
Variant type: single nucleotide variant.
Coding change: c.407C>T on transcript NM_016599.5 (MANE Select); coding-DNA position 407, C replaced by T.
Protein change: p.Pro136Leu; replaces proline 136 with leucine.
Molecular consequence: missense variant.
Genome position (GRCh38, 1-based): chr4:119,164,241, C>T. VCF-style: chr4-119164241-C-T. GRCh37 (hg19) VCF-style: chr4-120085396-C-T.
Other names: short protein forms P136L.
Identifiers: ClinVar variation 3641653 (VCV003641653.2).

ClinVar aggregate classification (germline): Uncertain significance (1 of 4 stars; one submission).

Conditions:
Hypertrophic cardiomyopathy. Also called: HYPERTROPHIC MYOCARDIOPATHY. Identifiers: Orphanet 217569, MedGen C0007194, MeSH D002312, MONDO:0005045, HP:0001639.

gnomAD v4.1: 1 of 1,613,964 alleles (0.000062%); highest among the groups gnomAD compares: Non-Finnish European, 0.000085%; no homozygotes.

Submission:

Labcorp Genetics (formerly Invitae), Labcorp
Classification: Uncertain significance for Hypertrophic cardiomyopathy. Last evaluated: 2024-02-17. Review status: criteria provided, single submitter. Criteria: Invitae Variant Classification Sherloc (09022015). Collection method: clinical testing. Allele origin: germline.
Comment: This sequence change replaces proline, which is neutral and non-polar, with leucine, which is neutral and non-polar, at codon 136 of the MYOZ2 protein (p.Pro136Leu). This variant is not present in population databases (gnomAD no frequency). This variant has not been reported in the literature in individuals affected with MYOZ2-related conditions. Advanced modeling of protein sequence and biophysical properties (such as structural, functional, and spatial information, amino acid conservation, physicochemical variation, residue mobility, and thermodynamic stability) has been performed at Invitae for this missense variant, however the output from this modeling did not meet the statistical confidence thresholds required to predict the impact of this variant on MYOZ2 protein function. In summary, the available evidence is currently insufficient to determine the role of this variant in disease. Therefore, it has been classified as a Variant of Uncertain Significance.